The following is an entry in ClinVar:

NM_004168.4(SDHA):c.1752A>G (p.Ala584=)

Gene: SDHA (succinate dehydrogenase complex flavoprotein subunit A; plus strand). Cytogenetic location: 5p15.33.
Variant type: single nucleotide variant.
Coding change: c.1752A>G on transcript NM_004168.4 (MANE Select); coding-DNA position 1752, A replaced by G.
Protein change: p.Ala584=; no amino-acid change (alanine 584 retained).
Molecular consequence: synonymous variant. On other transcripts: intron variant (1).
Genome position (GRCh38, 1-based): chr5:251,426, A>G. VCF-style: chr5-251426-A-G. GRCh37 (hg19) VCF-style: chr5-251541-A-G.
Other names: p.Ala584=; c.1608A>G, p.Ala536= (NM_001294332.2); c.1552-2967A>G (NM_001330758.2).
Identifiers: ClinVar variation 130277 (VCV000130277.37), dbSNP rs13070, ClinGen allele CA155148.

ClinVar aggregate classification (germline): Benign. Review status: criteria provided, multiple submitters, no conflicts (2 of 4 stars). 16 submissions from 14 submitters: Benign (15). 1 of the submissions does not count toward it. Last evaluated 2026-02-04.

Conditions:
Hereditary cancer-predisposing syndrome. Also called: Tumor predisposition; Hereditary neoplastic syndrome; Neoplastic Syndromes, Hereditary; Hereditary Cancer Syndrome. Identifiers: Orphanet 140162, MedGen C0027672, MeSH D009386, MONDO:0015356.
Hereditary pheochromocytoma and paraganglioma. Also called: Hereditary Paraganglioma-Pheochromocytoma Syndromes; Hereditary paragangliomas and pheochromocytomas; Hereditary pheochromocytoma-paraganglioma. Identifiers: Orphanet 29072, MedGen C4274332, MONDO:0017366.
Pheochromocytoma/paraganglioma syndrome 5. Also called: SDHA-Related Hereditary Paraganglioma-Pheochromocytoma Syndrome; Paragangliomas 5. Identifiers: Orphanet 29072, MedGen C3279992, MONDO:0013602, OMIM 614165.
Leigh syndrome (NULS). Also called: Leigh Disease; Subacute necrotizing encephalopathy; Necrotizing encephalopathy infantile subacute of Leigh; Leigh's necrotizing encephalopathy; Leigh's disease; Leigh Syndrome (mtDNA deletion). Identifiers: Orphanet 506, MedGen C2931891, MONDO:0009723, OMIM 256000.
Mitochondrial complex II deficiency, nuclear type 1. Also called: SUCCINATE CoQ REDUCTASE DEFICIENCY. Identifiers: Orphanet 3208, MedGen C5700310, MONDO:0100294, OMIM 252011.
Dilated cardiomyopathy 1GG (CMD1GG). Identifiers: Orphanet 154, MedGen C3150898, MONDO:0013339, OMIM 613642.
Neurodegeneration with ataxia and late-onset optic atrophy. Identifiers: MedGen C5543254, MONDO:0031006, OMIM 619259.

Allele frequency attached by ClinVar (database versions not stated): gnomAD exomes 0.13583 and 0.15118; ExAC 0.15594; gnomAD 0.24028 and 0.25187; 1000 Genomes Project 0.24840; 1000 Genomes Project 30x 0.26187; TOPMed 0.26760; ESP Exome Variant Server 0.26957.
gnomAD v4.1: 236,102 of 1,612,340 alleles (15%); highest among the groups gnomAD compares: African/African-American, 53%; 24,109 homozygotes.

Submissions (16):

Labcorp Genetics (formerly Invitae), Labcorp
Classification: Benign for Pheochromocytoma/paraganglioma syndrome 5; Mitochondrial complex II deficiency, nuclear type 1. Last evaluated: 2026-02-04. Review status: criteria provided, single submitter. Criteria: Invitae Variant Classification Sherloc (09022015). Collection method: clinical testing. Allele origin: germline.

Myriad Genetics, Inc.
Classification: Benign for Pheochromocytoma/paraganglioma syndrome 5. Last evaluated: 2025-03-11. Review status: criteria provided, single submitter. Criteria: Myriad Autosomal Dominant, Autosomal Recessive and X-Linked Classification Criteria (2023). Collection method: clinical testing. Allele origin: unknown.
Comment: This variant is considered benign. This variant is a silent/synonymous amino acid change and it is not expected to impact splicing.

Hereditary Cancer Laboratory, Hospital Universitario 12 de Octubre
Classification: Benign for Hereditary cancer-predisposing syndrome. Last evaluated: 2025-01-08. Review status: criteria provided, single submitter. Criteria: ACMG Guidelines, 2015. Collection method: clinical testing. Allele origin: germline.
Comment: BA1+BP6+BP7

Blueprint Genetics
Classification: Benign. Last evaluated: 2024-11-26. Review status: criteria provided, single submitter. Criteria: ACMG Guidelines, 2015. Collection method: clinical testing. Allele origin: germline.

Department of Pathology and Laboratory Medicine, Sinai Health System
Classification: Benign for Mitochondrial complex II deficiency, nuclear type 1; Dilated cardiomyopathy 1GG; Pheochromocytoma/paraganglioma syndrome 5; Neurodegeneration with ataxia and late-onset optic atrophy. Last evaluated: 2024-04-08. Review status: criteria provided, single submitter. Criteria: ACMG Guidelines, 2015. Collection method: clinical testing. Allele origin: germline.

KCCC/NGS Laboratory, Kuwait Cancer Control Center
Classification: Benign for Pheochromocytoma/paraganglioma syndrome 5. Last evaluated: 2023-07-07. Review status: criteria provided, single submitter. Criteria: ACMG Guidelines, 2015. Collection method: clinical testing. Allele origin: germline. Affected: yes.

Mayo Clinic Laboratories, Mayo Clinic
Classification: Benign. Last evaluated: 2022-05-01. Review status: criteria provided, single submitter. Criteria: ACMG Guidelines, 2015. Collection method: clinical testing. Allele origin: germline. Observed: 504 variant alleles.

ARUP Laboratories, Molecular Genetics and Genomics, ARUP Laboratories
Classification: Benign. Last evaluated: 2020-01-03. Review status: criteria provided, single submitter. Criteria: ARUP Molecular Germline Variant Investigation Process. Collection method: clinical testing. Allele origin: germline.

Illumina Laboratory Services, Illumina
Classification: Benign for Leigh syndrome. Last evaluated: 2018-01-13. Review status: criteria provided, single submitter. Criteria: ICSL Variant Classification Criteria 13 December 2019. Collection method: clinical testing. Allele origin: germline.
Comment: This variant was observed in the ICSL laboratory as part of a predisposition screen in an ostensibly healthy population. It had not been previously curated by ICSL or reported in the Human Gene Mutation Database (HGMD: prior to June 1st, 2018), and was therefore a candidate for classification through an automated scoring system. Utilizing variant allele frequency, disease prevalence and penetrance estimates, and inheritance mode, an automated score was calculated to assess if this variant is too frequent to cause the disease. Based on the score and internal cut-off values, a variant classified as benign is not then subjected to further curation. The score for this variant resulted in a classification of benign for this disease.

Illumina Laboratory Services, Illumina
Classification: Benign for Mitochondrial complex II deficiency, nuclear type 1. Last evaluated: 2018-01-13. Review status: criteria provided, single submitter. Criteria: ICSL Variant Classification Criteria 13 December 2019. Collection method: clinical testing. Allele origin: germline.
Comment: the same text as in the submission from Illumina Laboratory Services, Illumina above.

Illumina Laboratory Services, Illumina
Classification: Benign for Hereditary Paraganglioma-Pheochromocytoma Syndromes. Last evaluated: 2018-01-13. Review status: criteria provided, single submitter. Criteria: ICSL Variant Classification Criteria 13 December 2019. Collection method: clinical testing. Allele origin: germline.
Comment: the same text as in the submission from Illumina Laboratory Services, Illumina above.

GeneDx
Classification: Benign. Last evaluated: 2015-03-03. Review status: criteria provided, single submitter. Criteria: GeneDx Variant Classification Process June 2021. Collection method: clinical testing. Allele origin: germline. Affected: yes.

Ambry Genetics
Classification: Benign for Hereditary cancer-predisposing syndrome. Last evaluated: 2014-11-18. Review status: criteria provided, single submitter. Criteria: Ambry Variant Classification Scheme 2023. Collection method: clinical testing. Allele origin: germline.

Breakthrough Genomics
Classification: Benign. Review status: criteria provided, single submitter. Criteria: ACMG Guidelines, 2015. Collection method: not provided. Allele origin: germline. Inheritance: Autosomal recessive inheritance. Affected: yes.

PreventionGenetics, part of Exact Sciences
Classification: Benign. Review status: criteria provided, single submitter. Criteria: ACMG Guidelines, 2015. Collection method: clinical testing. Allele origin: germline.

Genetic Services Laboratory, University of Chicago
Classification: Likely benign for AllHighlyPenetrant. Review status: no assertion criteria provided. Collection method: clinical testing. Allele origin: germline. Not counted in ClinVar's aggregate classification.
Comment: Likely benign based on allele frequency in 1000 Genomes Project or ESP global frequency and its presence in a patient with a rare or unrelated disease phenotype. NOT Sanger confirmed.